The following is an entry in ClinVar:

NM_001349253.2(SCN11A):c.3459G>C (p.Arg1153Ser)

Gene: SCN11A (sodium voltage-gated channel alpha subunit 11; minus strand). Cytogenetic location: 3p22.2.
Variant type: single nucleotide variant.
Coding change: c.3459G>C on transcript NM_001349253.2 (MANE Select); coding-DNA position 3459, G replaced by C.
Protein change: p.Arg1153Ser; replaces arginine 1153 with serine.
Molecular consequence: missense variant.
Genome position (GRCh38, 1-based): chr3:38,872,229, C>G on the plus strand (G>C on the coding strand, the complement: SCN11A is on the minus strand). VCF-style: chr3-38872229-C-G. GRCh37 (hg19) VCF-style: chr3-38913720-C-G.
Other names: c.3459G>C, p.Arg1153Ser (NM_014139.3); short protein forms R1153S.
Identifiers: ClinVar variation 850276 (VCV000850276.6), dbSNP rs765228690, ClinGen allele CA2321782.

ClinVar aggregate classification (germline): Uncertain significance (1 of 4 stars; one submission).

Conditions:
Hereditary sensory and autonomic neuropathy type 7. Also called: Neuropathy, hereditary sensory and autonomic, type VII; HSAN VII. Identifiers: Orphanet 391397, MedGen C3809882, MONDO:0014244, OMIM 615548.
Familial episodic pain syndrome with predominantly lower limb involvement. Also called: Episodic pain syndrome, familial, 3. Identifiers: Orphanet 391384, Orphanet 391392, MedGen C3809899, MONDO:0014247, OMIM 615552.

Allele frequency attached by ClinVar (database versions not stated): gnomAD exomes below 0.00001; ExAC 0.00001.
gnomAD v4.1: 1 of 1,609,564 alleles (0.000062%); highest among the groups gnomAD compares: Non-Finnish European, 0.000085%; no homozygotes.

Submission:

Labcorp Genetics (formerly Invitae), Labcorp
Classification: Uncertain significance for Familial episodic pain syndrome with predominantly lower limb involvement; Hereditary sensory and autonomic neuropathy type 7. Last evaluated: 2022-11-01. Review status: criteria provided, single submitter. Criteria: Invitae Variant Classification Sherloc (09022015). Collection method: clinical testing. Allele origin: germline.
Comment: ClinVar contains an entry for this variant (Variation ID: 850276). Advanced modeling of protein sequence and biophysical properties (such as structural, functional, and spatial information, amino acid conservation, physicochemical variation, residue mobility, and thermodynamic stability) performed at Invitae indicates that this missense variant is expected to disrupt SCN11A protein function. This variant has not been reported in the literature in individuals affected with SCN11A-related conditions. In summary, the available evidence is currently insufficient to determine the role of this variant in disease. Therefore, it has been classified as a Variant of Uncertain Significance. This sequence change replaces arginine, which is basic and polar, with serine, which is neutral and polar, at codon 1153 of the SCN11A protein (p.Arg1153Ser). This variant is present in population databases (rs765228690, gnomAD 0.0009%).